The following is an entry in ClinVar:

NM_004991.4(MECOM):c.2693C>T (p.Ser898Phe)

Gene: MECOM (MDS1 and EVI1 complex locus; minus strand). Cytogenetic location: 3q26.2.
Variant type: single nucleotide variant.
Coding change: c.2693C>T on transcript NM_004991.4 (MANE Select); coding-DNA position 2693, C replaced by T.
Protein change: p.Ser898Phe; replaces serine 898 with phenylalanine.
Molecular consequence: missense variant.
Genome position (GRCh38, 1-based): chr3:169,102,138, G>A on the plus strand (C>T on the coding strand, the complement: MECOM is on the minus strand). VCF-style: chr3-169102138-G-A. GRCh37 (hg19) VCF-style: chr3-168819926-G-A.
Other names: c.2102C>T, p.Ser701Phe (NM_001164000.2, NM_001366471.2, NM_001366472.2); c.2129C>T, p.Ser710Phe (NM_001205194.2, NM_001366469.2, NM_005241.4 and 1 more transcripts); c.2666C>T, p.Ser889Phe (NM_001366466.2); c.2132C>T, p.Ser711Phe (NM_001366467.2, NM_001366468.2); c.2105C>T, p.Ser702Phe (NM_001366470.2, NM_001163999.2); c.1694C>T, p.Ser565Phe (NM_001366473.2); c.1130C>T, p.Ser377Phe (NM_001366474.2); c.2324C>T, p.Ser775Phe (NM_001105077.4); short protein forms S377F, S565F, S701F, S702F, S710F, S711F, S775F, S889F.
Identifiers: ClinVar variation 4859750 (VCV004859750.1).

ClinVar aggregate classification (germline): Uncertain significance (1 of 4 stars; one submission).

Conditions:
Inborn genetic diseases. Identifiers: MedGen C0950123, MeSH D030342.

Submission:

Ambry Genetics
Classification: Uncertain significance for Inborn genetic diseases. Last evaluated: 2026-04-22. Review status: criteria provided, single submitter. Criteria: Ambry Variant Classification Scheme 2023. Collection method: clinical testing. Allele origin: germline.
Comment: The p.S898F variant (also known as c.2693C>T), located in coding exon 11 of the MECOM gene, results from a C to T substitution at nucleotide position 2693. The serine at codon 898 is replaced by phenylalanine, an amino acid with highly dissimilar properties. This amino acid position is conserved. In addition, the in silico prediction for this alteration is inconclusive. Based on the available evidence, the clinical significance of this variant remains unclear.